The following is an entry in ClinVar:

NM_201550.4(LRRC10):c.206C>T (p.Pro69Leu)

Gene: LRRC10 (leucine rich repeat containing 10; minus strand). Cytogenetic location: 12q15.
Variant type: single nucleotide variant.
Coding change: c.206C>T on transcript NM_201550.4 (MANE Select); coding-DNA position 206, C replaced by T.
Protein change: p.Pro69Leu; replaces proline 69 with leucine.
Molecular consequence: missense variant.
Genome position (GRCh38, 1-based): chr12:69,610,633, G>A on the plus strand (C>T on the coding strand, the complement: LRRC10 is on the minus strand). VCF-style: chr12-69610633-G-A. GRCh37 (hg19) VCF-style: chr12-70004413-G-A.
Other names: short protein forms P69L.
Identifiers: ClinVar variation 478135 (VCV000478135.14), dbSNP rs140389574, ClinGen allele CA6681109.
Genomic context (GRCh38, chr12:69,610,633, plus strand): 5'-GCCTTGAAGTTGTTGAAATCCAAGGCCAGAATCTGCAGGTTCTGTAGCTGCCCCAGCTCC[G>A]GAGGCAGGCTATTGAGGTGGTTGTCGCTCAGGTAGAGCTTGACCAGCTCCCTGAAGGAGC-3'
Protein context (NP_963844.2, residues 59-79): LSDNHLNSLP[Pro69Leu]ELGQLQNLQI

ClinVar aggregate classification (germline): Benign. Review status: criteria provided, multiple submitters, no conflicts (2 of 4 stars). 2 submissions from 2 submitters: Benign (2). Last evaluated 2025-12-22.

Allele frequency attached by ClinVar (database versions not stated): ExAC 0.00275; 1000 Genomes Project 30x 0.00422; 1000 Genomes Project 0.00439; ESP Exome Variant Server 0.00008; gnomAD 0.00009 and 0.00067; TOPMed 0.00023; gnomAD exomes 0.00254.
gnomAD v4.1: 1,815 of 1,614,046 alleles (0.11%); highest among the groups gnomAD compares: South Asian, 1.8%; 25 homozygotes.

Submissions (2):

Labcorp Genetics (formerly Invitae), Labcorp
Classification: Benign. Last evaluated: 2025-12-22. Review status: criteria provided, single submitter. Criteria: Invitae Variant Classification Sherloc (09022015). Collection method: clinical testing. Allele origin: germline.

GeneDx
Classification: Benign. Last evaluated: 2020-06-12. Review status: criteria provided, single submitter. Criteria: GeneDx Variant Classification Process June 2021. Collection method: clinical testing. Allele origin: germline. Affected: yes.
Comment: This variant is associated with the following publications: (PMID: 28032242)